The following is an entry in ClinVar:

ClinVar aggregate classification (germline): Likely benign (0 of 4 stars; one submission).

Conditions:
TENT4B-related disorder. Also called: TENT4B-related condition.

Allele frequency attached by ClinVar (database versions not stated): ExAC 0.00046; gnomAD 0.00064; TOPMed 0.00073; 1000 Genomes Project 0.00080; gnomAD exomes 0.00082; 1000 Genomes Project 30x 0.00094; ESP Exome Variant Server 0.00094.

Submission:

PreventionGenetics, part of Exact Sciences
Classification: Likely benign for TENT4B-related condition. Last evaluated: 2022-11-09. Review status: no assertion criteria provided. Collection method: clinical testing. Allele origin: germline.
Comment: This variant is classified as likely benign based on ACMG/AMP sequence variant interpretation guidelines (Richards et al. 2015 PMID: 25741868, with internal and published modifications).

NM_001365324.3(TENT4B):c.1858_1860del (p.Gly620del)

Gene: TENT4B (terminal nucleotidyltransferase 4B; plus strand). Cytogenetic location: 16q12.1.
Variant type: Deletion.
Coding change: c.1858_1860del on transcript NM_001365324.3 (MANE Select); coding-DNA positions 1858 to 1860, 3 bases deleted (GGG; older notation c.1858_1860delGGG).
Protein change: p.Gly620del; deletes glycine 620.
Genome position (GRCh38, 1-based): chr16:50,227,896-50,227,898, GGG deleted. VCF-style (leftmost placement, unchanged base first): chr16-50227895-TGGG-T. GRCh37 (hg19) VCF-style: chr16-50261806-TGGG-T.
Other names: c.1813_1815del, p.Gly605del (NM_001040284.3); c.1672_1674del, p.Gly558del (NM_001040285.3); c.1798_1800del, p.Gly600del (NM_001365323.2); short protein forms G558del, G600del, G605del, G620del.
Identifiers: ClinVar variation 3043701 (VCV003043701.2), dbSNP rs538455121, ClinGen allele CA8048150.